The following is an entry in ClinVar:

ClinVar aggregate classification (germline): Uncertain significance (0 of 4 stars; one submission).

Conditions:
RIGI-related disorder. Also called: RIGI-related condition.

Submission:

PreventionGenetics, part of Exact Sciences
Classification: Uncertain significance for RIGI-related condition. Last evaluated: 2023-11-21. Review status: no assertion criteria provided. Collection method: clinical testing. Allele origin: germline.
Comment: The RIGI c.1799T>G variant is predicted to result in the amino acid substitution p.Val600Gly. To our knowledge, this variant has not been reported in the literature or in a large population database, indicating this variant is rare. At this time, the clinical significance of this variant is uncertain due to the absence of conclusive functional and genetic evidence.

NM_014314.4(RIGI):c.1799T>G (p.Val600Gly)

Gene: RIGI (RNA sensor RIG-I; minus strand). Cytogenetic location: 9p21.1.
Variant type: single nucleotide variant.
Coding change: c.1799T>G on transcript NM_014314.4 (MANE Select); coding-DNA position 1799, T replaced by G.
Protein change: p.Val600Gly; replaces valine 600 with glycine.
Molecular consequence: missense variant.
Genome position (GRCh38, 1-based): chr9:32,477,107, A>C on the plus strand (T>G on the coding strand, the complement: RIGI is on the minus strand). VCF-style: chr9-32477107-A-C. GRCh37 (hg19) VCF-style: chr9-32477105-A-C.
Other names: c.1793T>G, p.Val598Gly (NM_001385907.1); c.1799T>G, p.Val600Gly (NM_001385909.1); c.1358T>G, p.Val453Gly (NM_001385910.1); c.1190T>G, p.Val397Gly (NM_001385912.1); c.1784T>G, p.Val595Gly (NM_001385913.1); c.1355T>G, p.Val452Gly (NM_001385914.1); short protein forms V397G, V452G, V453G, V595G, V598G, V600G.
Identifiers: ClinVar variation 3029670 (VCV003029670.2), dbSNP rs2489311127, ClinGen allele CA373149428.